The following is an entry in ClinVar:

NM_005902.4(SMAD3):c.1265C>G (p.Ser422Cys)

Gene: SMAD3 (SMAD family member 3; plus strand). Cytogenetic location: 15q22.33.
Variant type: single nucleotide variant.
Coding change: c.1265C>G on transcript NM_005902.4 (MANE Select); coding-DNA position 1265, C replaced by G.
Protein change: p.Ser422Cys; replaces serine 422 with cysteine.
Molecular consequence: missense variant.
Genome position (GRCh38, 1-based): chr15:67,190,523, C>G. VCF-style: chr15-67190523-C-G. GRCh37 (hg19) VCF-style: chr15-67482861-C-G.
Other names: c.950C>G, p.Ser317Cys (NM_001145102.2, NM_001407016.1); c.1133C>G, p.Ser378Cys (NM_001145103.2, NM_001407012.1); c.680C>G, p.Ser227Cys (NM_001145104.2, NM_001407017.1); c.1376C>G, p.Ser459Cys (NM_001407011.1); c.1127C>G, p.Ser376Cys (NM_001407013.1); c.1118C>G, p.Ser373Cys (NM_001407014.1); c.818C>G, p.Ser273Cys (NM_001407015.1); short protein forms S378C, S422C, S317C, S459C, S227C, S273C, S376C, S373C.
Identifiers: ClinVar variation 2810454 (VCV002810454.3), dbSNP rs1567005581, ClinGen allele CA392959019.

ClinVar aggregate classification (germline): Uncertain significance (1 of 4 stars; one submission).

Conditions:
Familial thoracic aortic aneurysm and aortic dissection (TAAD). Also called: Thoracic aortic aneurysms and dissections. Identifiers: Orphanet 91387, MedGen C4707243, MONDO:0019625.

Submission:

Labcorp Genetics (formerly Invitae), Labcorp
Classification: Uncertain significance for Familial thoracic aortic aneurysm and aortic dissection. Last evaluated: 2022-10-28. Review status: criteria provided, single submitter. Criteria: Invitae Variant Classification Sherloc (09022015). Collection method: clinical testing. Allele origin: germline.
Comment: This sequence change replaces serine, which is neutral and polar, with cysteine, which is neutral and slightly polar, at codon 422 of the SMAD3 protein (p.Ser422Cys). In summary, the available evidence is currently insufficient to determine the role of this variant in disease. Therefore, it has been classified as a Variant of Uncertain Significance. Advanced modeling of protein sequence and biophysical properties (such as structural, functional, and spatial information, amino acid conservation, physicochemical variation, residue mobility, and thermodynamic stability) performed at Invitae indicates that this missense variant is expected to disrupt SMAD3 protein function. This variant has not been reported in the literature in individuals affected with SMAD3-related conditions. This variant is not present in population databases (gnomAD no frequency).